The following is an entry in ClinVar:

ClinVar aggregate classification (germline): Pathogenic. Review status: criteria provided, multiple submitters, no conflicts (2 of 4 stars). 4 submissions from 4 submitters: Pathogenic (4). Last evaluated 2025-04-15.

Conditions:
Neurodevelopmental disorder with impaired speech and hyperkinetic movements. Identifiers: MedGen C5193088, MONDO:0032741, OMIM 618425.

Allele frequency attached by ClinVar (database versions not stated): ExAC 0.00001; ESP Exome Variant Server 0.00008; gnomAD exomes below 0.00001.
gnomAD v4.1: 4 of 1,613,500 alleles (0.00025%); highest among the groups gnomAD compares: Non-Finnish European, 0.00025%; no homozygotes.

Submissions (4):

Tumer Group, Copenhagen University Hospital, Rigshospitalet
Classification: Pathogenic for Neurodevelopmental disorder with impaired speech and hyperkinetic movements. Last evaluated: 2025-04-15. Review status: criteria provided, single submitter. Criteria: ACMG Guidelines, 2015. Collection method: research. Allele origin: maternal. Affected: yes.

Dasa
Classification: Pathogenic for Neurodevelopmental disorder with impaired speech and hyperkinetic movements. Last evaluated: 2022-11-03. Review status: criteria provided, single submitter. Criteria: ACMG Guidelines, 2015. Collection method: clinical testing. Allele origin: germline. Affected: yes. Observed: 1 variant allele.
Comment: The c.1252C>T;p.(Arg418*) variant creates a premature translational stop signal in the ZNF142 gene. It is expected to result in an absent or disrupted protein product - PVS1. ClinVar contains an entry for this variant (ClinVar ID: 986967) - PS4_supporting. This variant is not present in population databases (rs369649419, gnomAD; ABraOM no frequency) - PM2. In summary, the currently available evidence indicates that the variant is pathogenic.

3billion
Classification: Pathogenic for Neurodevelopmental disorder with impaired speech and hyperkinetic movements. Last evaluated: 2022-03-22. Review status: criteria provided, single submitter. Criteria: ACMG Guidelines, 2015. Collection method: clinical testing. Allele origin: germline. Affected: yes. Observed: 1 homozygote.
Comment: Stop-gained (nonsense): predicted to result in a loss or disruption of normal protein function through nonsense-mediated decay (NMD) or protein truncation. Multiple pathogenic variants are reported downstream of the variant. This variant has been reported as pathogenic (ClinVar ID: VCV000986967). The variant is observed at an extremely low frequency in the gnomAD v2.1.1 dataset (total allele frequency: 0.0000040). Therefore, this variant is classified as pathogenic according to the recommendation of ACMG/AMP guideline.

Institute of Medical Genetics and Applied Genomics, University Hospital Tübingen
Classification: Pathogenic. Last evaluated: 2020-10-23. Review status: criteria provided, single submitter. Criteria: ACMG Guidelines, 2015. Collection method: clinical testing. Allele origin: germline. Inheritance: Unknown mechanism. Affected: yes.

NM_001379659.1(ZNF142):c.1852C>T (p.Arg618Ter)

Gene: ZNF142 (zinc finger protein 142; minus strand). Cytogenetic location: 2q35.
Variant type: single nucleotide variant.
Coding change: c.1852C>T on transcript NM_001379659.1 (MANE Select); coding-DNA position 1852, C replaced by T.
Protein change: p.Arg618Ter; replaces arginine 618 with a stop codon.
Molecular consequence: nonsense.
Genome position (GRCh38, 1-based): chr2:218,648,656, G>A on the plus strand (C>T on the coding strand, the complement: ZNF142 is on the minus strand). VCF-style: chr2-218648656-G-A. GRCh37 (hg19) VCF-style: chr2-219513379-G-A.
Other names: c.1252C>T, p.Arg418Ter (NM_001105537.5, NM_001366291.3, NM_001379662.1); c.1252C>T (NM_001105537.2); c.763C>T, p.Arg255Ter (NM_001366287.3, NM_001366288.3, NM_001366289.3); c.1852C>T, p.Arg618Ter (NM_001366290.3, NM_001379660.1, NM_001379661.1); short protein forms R255*, R418*, R618*.
Identifiers: ClinVar variation 986967 (VCV000986967.5), dbSNP rs369649419, ClinGen allele CA2109301.